The following is an entry in ClinVar:

ClinVar aggregate classification (germline): Uncertain significance (1 of 4 stars; one submission).

Allele frequency attached by ClinVar (database versions not stated): gnomAD exomes below 0.00001; ExAC 0.00001; gnomAD 0.00001; TOPMed 0.00002; 1000 Genomes Project 0.00020; 1000 Genomes Project 30x 0.00031.
gnomAD v4.1: 2 of 1,610,104 alleles (0.00012%); highest among the groups gnomAD compares: Non-Finnish European, 0.00017%; no homozygotes.

Submission:

Labcorp Genetics (formerly Invitae), Labcorp
Classification: Uncertain significance. Last evaluated: 2022-04-18. Review status: criteria provided, single submitter. Criteria: Invitae Variant Classification Sherloc (09022015). Collection method: clinical testing. Allele origin: germline.
Comment: This sequence change replaces asparagine, which is neutral and polar, with threonine, which is neutral and polar, at codon 368 of the TTLL5 protein (p.Asn368Thr). This variant is present in population databases (rs529738616, gnomAD 0.0009%). In summary, the available evidence is currently insufficient to determine the role of this variant in disease. Therefore, it has been classified as a Variant of Uncertain Significance. Algorithms developed to predict the effect of missense changes on protein structure and function are either unavailable or do not agree on the potential impact of this missense change (SIFT: "Tolerated"; PolyPhen-2: "Possibly Damaging"; Align-GVGD: "Class C0"). This variant has not been reported in the literature in individuals affected with TTLL5-related conditions.

NM_015072.5(TTLL5):c.1103A>C (p.Asn368Thr)

Gene: TTLL5 (tubulin tyrosine ligase like 5; plus strand). Cytogenetic location: 14q24.3.
Variant type: single nucleotide variant.
Coding change: c.1103A>C on transcript NM_015072.5 (MANE Select); coding-DNA position 1103, A replaced by C.
Protein change: p.Asn368Thr; replaces asparagine 368 with threonine.
Molecular consequence: missense variant.
Genome position (GRCh38, 1-based): chr14:75,732,398, A>C. VCF-style: chr14-75732398-A-C. GRCh37 (hg19) VCF-style: chr14-76198741-A-C.
Other names: short protein forms N368T.
Identifiers: ClinVar variation 2094637 (VCV002094637.4), dbSNP rs529738616, ClinGen allele CA7279234.